The following is an entry in ClinVar:

NC_000016.10:g.2066081_2241220del

Genes: ECI1-AS1 (ECI1 antisense RNA 1; plus strand), BRICD5 (BRICHOS domain containing 5; minus strand), CASKIN1 (CASK interacting protein 1; minus strand), DNASE1L2 (deoxyribonuclease 1 like 2; plus strand), E4F1 (E4F transcription factor 1; plus strand) and 30 more. Cytogenetic location: 16p13.3.
Variant type: Deletion.
Other names: arr[GRCh38] 16p13.3(2066081_2241220)x1.
Identifiers: ClinVar variation 1696838 (VCV001696838.1).

ClinVar aggregate classification (germline): Pathogenic (1 of 4 stars; one submission).

Conditions:
Tuberous sclerosis 2 (TSC2). Identifiers: Orphanet 805, MedGen C1860707, MONDO:0013199, OMIM 613254.

Submission:

Division of Genomic Medicine, Department of Advanced Medicine, Medical Research Institute, Kanazawa Medical University
Classification: Pathogenic for Tuberous sclerosis 2. Last evaluated: 2022-07-17. Review status: criteria provided, single submitter. Criteria: ACMG Guidelines, 2015. Collection method: clinical testing. Allele origin: germline. Affected: yes. Observed: 1 variant allele.
Comment: TSC2/PKD1 contiguous gene deletion syndrome.